The following is an entry in ClinVar:

ClinVar aggregate classification (germline): Pathogenic. Review status: criteria provided, multiple submitters, no conflicts (2 of 4 stars). 3 submissions from 3 submitters: Pathogenic (2). 1 of the submissions does not count toward it. Last evaluated 2024-08-02.

Conditions:
Hereditary cancer-predisposing syndrome. Also called: Tumor predisposition; Hereditary neoplastic syndrome; Hereditary Cancer Syndrome; Neoplastic Syndromes, Hereditary. Identifiers: Orphanet 140162, MedGen C0027672, MeSH D009386, MONDO:0015356.
Lynch syndrome 5 (LYNCH5). Also called: Hereditary non-polyposis colorectal cancer, type 5; Colorectal cancer, hereditary nonpolyposis, type 5. Identifiers: Orphanet 144, MedGen C1833477, MONDO:0013710, OMIM 614350. Disease mechanism: loss of function.

Submissions (3):

Myriad Genetics, Inc.
Classification: Pathogenic for Lynch syndrome 5. Last evaluated: 2024-08-02. Review status: criteria provided, single submitter. Criteria: Myriad Autosomal Dominant, Autosomal Recessive and X-Linked Classification Criteria (2023). Collection method: clinical testing. Allele origin: unknown.
Comment: This variant is considered pathogenic. This variant creates a termination codon and is predicted to result in premature protein truncation.

Ambry Genetics
Classification: Pathogenic for Hereditary cancer-predisposing syndrome. Last evaluated: 2024-01-05. Review status: criteria provided, single submitter. Criteria: Ambry Variant Classification Scheme 2023. Collection method: clinical testing. Allele origin: germline.
Comment: The p.S1028* pathogenic mutation (also known as c.3083C>A), located in coding exon 4 of the MSH6 gene, results from a C to A substitution at nucleotide position 3083. This changes the amino acid from a serine to a stop codon within coding exon 4. This variant is considered to be rare based on population cohorts in the Genome Aggregation Database (gnomAD). This alteration is expected to result in loss of function by premature protein truncation or nonsense-mediated mRNA decay. As such, this alteration is interpreted as a disease-causing mutation.

Department of Pathology and Laboratory Medicine, Sinai Health System
Classification: Uncertain significance. Review status: no assertion criteria provided. Collection method: clinical testing. Allele origin: unknown. Affected: yes. Observed: 1 variant allele. Study: The Canadian Open Genetics Repository (COGR). Not counted in ClinVar's aggregate classification.

Literature cited by the submitters: PubMed 23104009 (cited by Ambry Genetics); PubMed 32809219 (cited by Ambry Genetics).

NM_000179.3(MSH6):c.3083C>A (p.Ser1028Ter)

Gene: MSH6 (mutS homolog 6; plus strand). Cytogenetic location: 2p16.3.
Variant type: single nucleotide variant.
Coding change: c.3083C>A on transcript NM_000179.3 (MANE Select); coding-DNA position 3083, C replaced by A.
Protein change: p.Ser1028Ter; replaces serine 1028 with a stop codon.
Molecular consequence: nonsense.
Genome position (GRCh38, 1-based): chr2:47,801,066, C>A. VCF-style: chr2-47801066-C-A. GRCh37 (hg19) VCF-style: chr2-48028205-C-A.
Other names: c.2693C>A, p.Ser898Ter (NM_001281492.2); c.2177C>A, p.Ser726Ter (NM_001281493.2, NM_001281494.2); c.3083C>A (NM_000179.2); short protein forms S1028*, S726*, S898*.
Identifiers: ClinVar variation 1050732 (VCV001050732.3), dbSNP rs876660853, ClinGen allele CA346756566.